The following is an entry in ClinVar:

NM_001754.5(RUNX1):c.172C>T (p.Leu58=)

Gene: RUNX1 (RUNX family transcription factor 1; minus strand). Cytogenetic location: 21q22.12.
Variant type: single nucleotide variant.
Coding change: c.172C>T on transcript NM_001754.5 (MANE Select); coding-DNA position 172, C replaced by T.
Protein change: p.Leu58=; no amino-acid change (leucine 58 retained).
Molecular consequence: synonymous variant.
Genome position (GRCh38, 1-based): chr21:34,887,022, G>A on the plus strand (C>T on the coding strand, the complement: RUNX1 is on the minus strand). VCF-style: chr21-34887022-G-A. GRCh37 (hg19) VCF-style: chr21-36259319-G-A.
Other names: NM_001754.5(RUNX1):c.172C>T; p.Leu58=; c.172C>T (NM_001754.4); c.91C>T, p.Leu31= (NM_001001890.3, NM_001122607.2).
Identifiers: ClinVar variation 1128874 (VCV001128874.14), dbSNP rs2146413221, ClinGen allele CA512318949.

ClinVar aggregate classification (germline): Likely benign. Review status: reviewed by expert panel (3 of 4 stars). 4 submissions from 4 submitters: Likely benign (1). 3 of the submissions do not count toward it. Last evaluated 2026-05-04.

Conditions:
Hereditary thrombocytopenia and hematologic cancer predisposition syndrome. Identifiers: Orphanet 71290, MedGen CN281654, MONDO:0011071.
Hereditary thrombocytopenia and hematological cancer predisposition syndrome associated with RUNX1. Also called: Familial Platelet Disorder with Propensity to Acute Myelogenous Leukemia; Familial thrombocytopenia with propensity to acute myelogenous leukemia; PLATELET DISORDER, ASPIRIN-LIKE; RUNX1 Familial Platelet Disorder with Associated Myeloid Malignancies. Identifiers: Orphanet 71290, MedGen C1832388, MeSH C563324, MONDO:0100083, OMIM 601399.
Inborn genetic diseases. Identifiers: MedGen C0950123, MeSH D030342.

Allele frequency attached by ClinVar (database versions not stated): gnomAD exomes below 0.00001.
gnomAD v4.1: 3 of 1,601,932 alleles (0.00019%); highest among the groups gnomAD compares: South Asian, 0.0033%; no homozygotes.

Submissions (4):

ClinGen Myeloid Malignancy Variant Curation Expert Panel
Classification: Likely benign for Hereditary thrombocytopenia and hematologic cancer predisposition syndrome. Last evaluated: 2026-05-04. Review status: reviewed by expert panel. Criteria: ClinGen MyeloMalig ACMG Specifications V3.1. Collection method: curation. Allele origin: germline. Inheritance: Autosomal dominant inheritance.
Comment: NM_001754.5(RUNX1):c.172C>T (p.Leu58=) is a synonymous variant which has a SpliceAI score ≤ 0.20 (BP4, BP7). This variant is completely absent from all population databases with at least 20x coverage for RUNX1 (PM2_supporting). In summary, this variant meets criteria to be classified as likely benign. ACMG/AMP criteria applied, as specified by the Myeloid Malignancy Variant Curation Expert Panel for RUNX1: BP4, BP7, PM2_supporting.

Ambry Genetics
Classification: Likely benign for Inborn genetic diseases. Last evaluated: 2025-07-03. Review status: criteria provided, single submitter. Criteria: Ambry Variant Classification Scheme 2023. Collection method: clinical testing. Allele origin: germline. Not counted in ClinVar's aggregate classification.

Blueprint Genetics
Classification: Likely benign. Last evaluated: 2022-12-14. Review status: criteria provided, single submitter. Criteria: ACMG Guidelines, 2015. Collection method: clinical testing. Allele origin: germline. Not counted in ClinVar's aggregate classification.

Labcorp Genetics (formerly Invitae), Labcorp
Classification: Likely benign for Hereditary thrombocytopenia and hematological cancer predisposition syndrome associated with RUNX1. Last evaluated: 2020-08-02. Review status: criteria provided, single submitter. Criteria: Invitae Variant Classification Sherloc (09022015). Collection method: clinical testing. Allele origin: germline. Not counted in ClinVar's aggregate classification.